The following is an entry in ClinVar:

NM_004448.4(ERBB2):c.3382G>A (p.Val1128Ile)

Gene: ERBB2 (erb-b2 receptor tyrosine kinase 2; plus strand). Cytogenetic location: 17q12.
Variant type: single nucleotide variant.
Coding change: c.3382G>A on transcript NM_004448.4 (MANE Select); coding-DNA position 3382, G replaced by A.
Protein change: p.Val1128Ile; replaces valine 1128 with isoleucine.
Molecular consequence: missense variant. On other transcripts: non-coding transcript variant (1), intron variant (2).
Genome position (GRCh38, 1-based): chr17:39,727,517, G>A. VCF-style: chr17-39727517-G-A. GRCh37 (hg19) VCF-style: chr17-37883770-G-A.
Other names: c.3292G>A, p.Val1098Ile (NM_001005862.3, NM_001382782.1, NM_001382783.1); c.3337G>A, p.Val1113Ile (NM_001289936.2); c.3499G>A, p.Val1167Ile (NM_001382784.1); c.3484G>A, p.Val1162Ile (NM_001382785.1); c.3463G>A, p.Val1155Ile (NM_001382786.1); c.3457G>A, p.Val1153Ile (NM_001382787.1); c.3412G>A, p.Val1138Ile (NM_001382788.1); c.3403G>A, p.Val1135Ile (NM_001382789.1); and 17 more; short protein forms V1066I, V1113I, V1138I, V1068I, V1095I, V1098I, V1127I, V1153I.
Identifiers: ClinVar variation 1490388 (VCV001490388.9), dbSNP rs747888253, ClinGen allele CA8534532.

ClinVar aggregate classification (germline): Uncertain significance. Review status: criteria provided, multiple submitters, no conflicts (2 of 4 stars). 2 submissions from 2 submitters: Uncertain significance (2). Last evaluated 2025-11-03.

Allele frequency attached by ClinVar (database versions not stated): ExAC 0.00002; gnomAD exomes 0.00002; TOPMed 0.00004; gnomAD 0.00005.
gnomAD v4.1: 33 of 1,607,008 alleles (0.0021%); highest among the groups gnomAD compares: Middle Eastern, 0.017%; no homozygotes.

Submissions (2):

Labcorp Genetics (formerly Invitae), Labcorp
Classification: Uncertain significance. Last evaluated: 2025-11-03. Review status: criteria provided, single submitter. Criteria: Invitae Variant Classification Sherloc (09022015). Collection method: clinical testing. Allele origin: germline.
Comment: This sequence change replaces valine, which is neutral and non-polar, with isoleucine, which is neutral and non-polar, at codon 1128 of the ERBB2 protein (p.Val1128Ile). This variant is present in population databases (rs747888253, gnomAD 0.008%). This missense change has been observed in individual(s) with lung cancer (PMID: 30610926). ClinVar contains an entry for this variant (Variation ID: 1490388). An algorithm developed to predict the effect of missense changes on protein structure and function outputs the following: PolyPhen-2: "Benign". The isoleucine amino acid residue is found in multiple mammalian species, which suggests that this missense change does not adversely affect protein function. In summary, the available evidence is currently insufficient to determine the role of this variant in disease. Therefore, it has been classified as a Variant of Uncertain Significance.

Breakthrough Genomics
Classification: Uncertain significance. Review status: criteria provided, single submitter. Criteria: ACMG Guidelines, 2015. Collection method: not provided. Allele origin: germline. Inheritance: Autosomal recessive inheritance. Affected: yes.

Literature cited by the submitters: PubMed 30610926 (cited by Labcorp Genetics (formerly Invitae), Labcorp).